The following is an entry in ClinVar:

NM_014727.3(KMT2B):c.5012A>G (p.Tyr1671Cys)

Gene: KMT2B (lysine methyltransferase 2B; plus strand). Cytogenetic location: 19q13.12.
Variant type: single nucleotide variant.
Coding change: c.5012A>G on transcript NM_014727.3 (MANE Select); coding-DNA position 5012, A replaced by G.
Protein change: p.Tyr1671Cys; replaces tyrosine 1671 with cysteine.
Molecular consequence: missense variant.
Genome position (GRCh38, 1-based): chr19:35,730,061, A>G. VCF-style: chr19-35730061-A-G. GRCh37 (hg19) VCF-style: chr19-36220962-A-G.
Other names: short protein forms Y1671C.
Identifiers: ClinVar variation 2976716 (VCV002976716.2), dbSNP rs2513344850, ClinGen allele CA405419094.

ClinVar aggregate classification (germline): Uncertain significance (1 of 4 stars; one submission).

Allele frequency attached by ClinVar (database versions not stated): gnomAD exomes below 0.00001.
gnomAD v4.1: 4 of 1,613,764 alleles (0.00025%); highest among the groups gnomAD compares: Admixed American, 0.0017%; no homozygotes.

Submission:

Labcorp Genetics (formerly Invitae), Labcorp
Classification: Uncertain significance. Last evaluated: 2023-05-23. Review status: criteria provided, single submitter. Criteria: Invitae Variant Classification Sherloc (09022015). Collection method: clinical testing. Allele origin: germline.
Comment: In summary, the available evidence is currently insufficient to determine the role of this variant in disease. Therefore, it has been classified as a Variant of Uncertain Significance. Advanced modeling of protein sequence and biophysical properties (such as structural, functional, and spatial information, amino acid conservation, physicochemical variation, residue mobility, and thermodynamic stability) performed at Invitae indicates that this missense variant is not expected to disrupt KMT2B protein function. This variant has not been reported in the literature in individuals affected with KMT2B-related conditions. This variant is not present in population databases (gnomAD no frequency). This sequence change replaces tyrosine, which is neutral and polar, with cysteine, which is neutral and slightly polar, at codon 1671 of the KMT2B protein (p.Tyr1671Cys).